The following is an entry in ClinVar:

NM_003590.5(CUL3):c.539+5A>G

Gene: CUL3 (cullin 3; minus strand). Cytogenetic location: 2q36.2.
Variant type: single nucleotide variant.
Coding change: c.539+5A>G on transcript NM_003590.5 (MANE Select); 5 bases into the intron after coding-DNA position 539, A replaced by G.
Molecular consequence: intron variant.
Genome position (GRCh38, 1-based): chr2:224,514,607, T>C on the plus strand (A>G on the coding strand, the complement: CUL3 is on the minus strand). VCF-style: chr2-224514607-T-C. GRCh37 (hg19) VCF-style: chr2-225379324-T-C.
Other names: c.341+5A>G (NM_001257197.2); c.557+5A>G (NM_001257198.2); c.539+5A>G (NM_003590.4).
Identifiers: ClinVar variation 2127438 (VCV002127438.5), dbSNP rs2470003645, ClinGen allele CA2580065955.

ClinVar aggregate classification (germline): Conflicting classifications of pathogenicity. Review status: criteria provided, conflicting classifications (1 of 4 stars). 2 submissions from 2 submitters: Uncertain significance (1); Likely benign (1). Last evaluated 2024-10-29.

Conditions:
CUL3-related disorder. Also called: CUL3-related condition; CUL3-related disorders.

Submissions (2):

PreventionGenetics, part of Exact Sciences
Classification: Likely benign for CUL3-related condition. Last evaluated: 2024-10-29. Review status: criteria provided, single submitter. Criteria: ACMG Guidelines, 2015. Collection method: clinical testing. Allele origin: germline.
Comment: This variant is classified as likely benign based on ACMG/AMP sequence variant interpretation guidelines (Richards et al. 2015 PMID: 25741868, with internal and published modifications).

Labcorp Genetics (formerly Invitae), Labcorp
Classification: Uncertain significance. Last evaluated: 2022-05-20. Review status: criteria provided, single submitter. Criteria: Invitae Variant Classification Sherloc (09022015). Collection method: clinical testing. Allele origin: germline.
Comment: In summary, the available evidence is currently insufficient to determine the role of this variant in disease. Therefore, it has been classified as a Variant of Uncertain Significance. Variants that disrupt the consensus splice site are a relatively common cause of aberrant splicing (PMID: 17576681, 9536098). Algorithms developed to predict the effect of sequence changes on RNA splicing suggest that this variant is not likely to affect RNA splicing. This variant has not been reported in the literature in individuals affected with CUL3-related conditions. This variant is not present in population databases (gnomAD no frequency). This sequence change falls in intron 4 of the CUL3 gene. It does not directly change the encoded amino acid sequence of the CUL3 protein. It affects a nucleotide within the consensus splice site.

Literature cited by the submitters: PubMed 17576681 (cited by Labcorp Genetics (formerly Invitae), Labcorp); PubMed 9536098 (cited by Labcorp Genetics (formerly Invitae), Labcorp).